The following is an entry in ClinVar:

ClinVar aggregate classification (germline): Uncertain significance (1 of 4 stars; one submission).

Conditions:
Marfan syndrome (MFS). Also called: MARFAN SYNDROME, TYPE I; Marfan syndrome type 1; Marfan's syndrome; Marfan syndrome, classic; FBN1-Related Marfan Syndrome. Identifiers: Orphanet 284963, Orphanet 558, MedGen C0024796, MONDO:0007947, OMIM 154700.
Familial thoracic aortic aneurysm and aortic dissection (TAAD). Also called: Thoracic aortic aneurysms and dissections. Identifiers: Orphanet 91387, MedGen C4707243, MONDO:0019625.

Submission:

Labcorp Genetics (formerly Invitae), Labcorp
Classification: Uncertain significance for Marfan syndrome; Familial thoracic aortic aneurysm and aortic dissection. Last evaluated: 2024-04-09. Review status: criteria provided, single submitter. Criteria: Invitae Variant Classification Sherloc (09022015). Collection method: clinical testing. Allele origin: germline.
Comment: This sequence change replaces glycine, which is neutral and non-polar, with alanine, which is neutral and non-polar, at codon 2393 of the FBN1 protein (p.Gly2393Ala). This variant is not present in population databases (gnomAD no frequency). This variant has not been reported in the literature in individuals affected with FBN1-related conditions. Advanced modeling of protein sequence and biophysical properties (such as structural, functional, and spatial information, amino acid conservation, physicochemical variation, residue mobility, and thermodynamic stability) performed at Invitae indicates that this missense variant is expected to disrupt FBN1 protein function with a positive predictive value of 95%. In summary, the available evidence is currently insufficient to determine the role of this variant in disease. Therefore, it has been classified as a Variant of Uncertain Significance.

NM_000138.5(FBN1):c.7178G>C (p.Gly2393Ala)

Gene: FBN1 (fibrillin 1; minus strand). Cytogenetic location: 15q21.1.
Variant type: single nucleotide variant.
Coding change: c.7178G>C on transcript NM_000138.5 (MANE Select); coding-DNA position 7178, G replaced by C.
Protein change: p.Gly2393Ala; replaces glycine 2393 with alanine.
Molecular consequence: missense variant.
Genome position (GRCh38, 1-based): chr15:48,427,593, C>G on the plus strand (G>C on the coding strand, the complement: FBN1 is on the minus strand). VCF-style: chr15-48427593-C-G. GRCh37 (hg19) VCF-style: chr15-48719790-C-G.
Other names: c.7178G>C, p.Gly2393Ala (NM_001406716.1); short protein forms G2393A.
Identifiers: ClinVar variation 2922175 (VCV002922175.3), dbSNP rs2505412023, ClinGen allele CA392329200.